The following is an entry in ClinVar:

ClinVar aggregate classification (germline): Uncertain significance. Review status: criteria provided, multiple submitters, no conflicts (2 of 4 stars). 2 submissions from 2 submitters: Uncertain significance (2). Last evaluated 2025-10-18.

Conditions:
SEMA3C-related disorder. Also called: SEMA3C-related condition.

gnomAD v4.1: 2 of 1,613,200 alleles (0.00012%); highest among the groups gnomAD compares: Admixed American, 0.0017%; no homozygotes.

Submissions (2):

Ambry Genetics
Classification: Uncertain significance. Last evaluated: 2025-10-18. Review status: criteria provided, single submitter. Criteria: Ambry Variant Classification Scheme 2023. Collection method: clinical testing. Allele origin: germline.

PreventionGenetics, part of Exact Sciences
Classification: Uncertain significance for SEMA3C-related condition. Last evaluated: 2025-06-08. Review status: criteria provided, single submitter. Criteria: ACMG Guidelines, 2015. Collection method: clinical testing. Allele origin: germline.
Comment: The SEMA3C c.424C>A variant is predicted to result in the amino acid substitution p.Arg142Ser. To our knowledge, this variant has not been reported in the literature. This variant is reported in 0.00088% of alleles in individuals of European (Non-Finnish) descent in gnomAD. At this time, the clinical significance of this variant is uncertain due to the absence of conclusive functional and genetic evidence.

NM_006379.5(SEMA3C):c.370C>A (p.Arg124Ser)

Gene: SEMA3C (semaphorin 3C; minus strand). Cytogenetic location: 7q21.11.
Variant type: single nucleotide variant.
Coding change: c.370C>A on transcript NM_006379.5 (MANE Select); coding-DNA position 370, C replaced by A.
Protein change: p.Arg124Ser; replaces arginine 124 with serine.
Molecular consequence: missense variant.
Genome position (GRCh38, 1-based): chr7:80,818,376, G>T on the plus strand (C>A on the coding strand, the complement: SEMA3C is on the minus strand). VCF-style: chr7-80818376-G-T. GRCh37 (hg19) VCF-style: chr7-80447692-G-T.
Other names: c.424C>A (NM_001350120.1); c.424C>A, p.Arg142Ser (NM_001350120.2); c.196C>A, p.Arg66Ser (NM_001350121.2); short protein forms R124S, R142S, R66S.
Identifiers: ClinVar variation 4582143 (VCV004582143.2).
Genomic context (GRCh38, chr7:80,818,376, plus strand): 5'-TGTTCAAGTAAGTACAGACAGGACTGAAAGCGCCACTCCCACAGACATACAAATGTGTGC[G>T]ATTGAAAGTCTGAATTACACGGACAAAGTTCCCACAGCCGTGCTAAAAGAATCAGTAAAT-3'
Protein context (NP_006370.1, residues 114-134): NFVRVIQTFN[Arg124Ser]THLYVCGSGA